The following is an entry in ClinVar:

ClinVar aggregate classification (germline): Uncertain significance (1 of 4 stars; one submission).

gnomAD v4.1: 6 of 1,614,060 alleles (0.00037%); highest among the groups gnomAD compares: African/African-American, 0.0013%; no homozygotes.

Submission:

Labcorp Genetics (formerly Invitae), Labcorp
Classification: Uncertain significance. Last evaluated: 2025-07-05. Review status: criteria provided, single submitter. Criteria: Invitae Variant Classification Sherloc (09022015). Collection method: clinical testing. Allele origin: germline.
Comment: This sequence change replaces asparagine, which is neutral and polar, with serine, which is neutral and polar, at codon 143 of the PLTP protein (p.Asn143Ser). This variant is present in population databases (rs745406242, gnomAD 0.003%). This variant has not been reported in the literature in individuals affected with PLTP-related conditions. An algorithm developed to predict the effect of missense changes on protein structure and function (PolyPhen-2) suggests that this variant is likely to be disruptive. In summary, the available evidence is currently insufficient to determine the role of this variant in disease. Therefore, it has been classified as a Variant of Uncertain Significance.

NM_006227.4(PLTP):c.428A>G (p.Asn143Ser)

Gene: PLTP (phospholipid transfer protein; minus strand). Cytogenetic location: 20q13.12.
Variant type: single nucleotide variant.
Coding change: c.428A>G on transcript NM_006227.4 (MANE Select); coding-DNA position 428, A replaced by G.
Protein change: p.Asn143Ser; replaces asparagine 143 with serine.
Molecular consequence: missense variant. On other transcripts: intron variant (2).
Genome position (GRCh38, 1-based): chr20:45,909,573, T>C on the plus strand (A>G on the coding strand, the complement: PLTP is on the minus strand). VCF-style: chr20-45909573-T-C. GRCh37 (hg19) VCF-style: chr20-44538212-T-C.
Other names: c.164A>G, p.Asn55Ser (NM_001242921.1); c.200+1579A>G (NM_001242920.2); c.329+369A>G (NM_182676.3); short protein forms N55S, N143S.
Identifiers: ClinVar variation 4709435 (VCV004709435.1).